The following is an entry in ClinVar:

ClinVar aggregate classification (germline): Uncertain significance (1 of 4 stars; one submission).

Conditions:
Inborn genetic diseases. Identifiers: MedGen C0950123, MeSH D030342.

gnomAD v4.1: 10 of 1,614,032 alleles (0.00062%); highest among the groups gnomAD compares: Non-Finnish European, 0.00085%; no homozygotes.

Submission:

Ambry Genetics
Classification: Uncertain significance for Inborn genetic diseases. Last evaluated: 2026-08-31. Review status: criteria provided, single submitter. Criteria: Ambry Variant Classification Scheme 2023. Collection method: clinical testing. Allele origin: germline.
Comment: The c.167A>C (p.K56T) alteration is located in exon 2 (coding exon 2) of the CCBE1 gene. This alteration results from a A to C substitution at nucleotide position 167, causing the lysine (K) at amino acid position 56 to be replaced by a threonine (T). Based on data from gnomAD, the C allele has an overall frequency of 0.001% (2/251444) total alleles studied. The highest observed frequency was 0.002% (2/113736) of European (non-Finnish) alleles. Based on insufficient or conflicting evidence, the clinical significance of this alteration remains unclear.

NM_133459.4(CCBE1):c.167A>C (p.Lys56Thr)

Gene: CCBE1 (collagen and calcium binding EGF domains 1; minus strand). Cytogenetic location: 18q21.32.
Variant type: single nucleotide variant.
Coding change: c.167A>C on transcript NM_133459.4 (MANE Select); coding-DNA position 167, A replaced by C.
Protein change: p.Lys56Thr; replaces lysine 56 with threonine.
Molecular consequence: missense variant.
Genome position (GRCh38, 1-based): chr18:59,696,674, T>G on the plus strand (A>C on the coding strand, the complement: CCBE1 is on the minus strand). VCF-style: chr18-59696674-T-G. GRCh37 (hg19) VCF-style: chr18-57363906-T-G.
Other names: short protein forms K56T.
Identifiers: ClinVar variation 3485842 (VCV003485842.2).
Genomic context (GRCh38, chr18:59,696,674, plus strand): 5'-AGCCCCCAGGCTTACCTGTAGCATGTGGTGAGCTCGCCTGAAGACTTCAGACACGGGTAT[T>G]TAGTCGTCGCGATTTTGCTCTCTGAGCAGATTTCTCTATGAAAAAGTGCAGAGGAAATGT-3'
Protein context (NP_597716.1, residues 46-66): ICSESKIATT[Lys56Thr]YPCLKSSGEL